The following is an entry in ClinVar:

ClinVar aggregate classification (germline): Uncertain significance (1 of 4 stars; one submission).

Submission:

GeneDx
Classification: Uncertain significance. Last evaluated: 2022-08-18. Review status: criteria provided, single submitter. Criteria: GeneDx Variant Classification Process June 2021. Collection method: clinical testing. Allele origin: germline. Affected: yes.
Comment: Not observed at significant frequency in large population cohorts (gnomAD); In silico analysis supports that this missense variant does not alter protein structure/function; Has not been previously published as pathogenic or benign to our knowledge

NM_000075.4(CDK4):c.262A>G (p.Lys88Glu)

Gene: CDK4 (cyclin dependent kinase 4; minus strand). Cytogenetic location: 12q14.1.
Variant type: single nucleotide variant.
Coding change: c.262A>G on transcript NM_000075.4 (MANE Select); coding-DNA position 262, A replaced by G.
Protein change: p.Lys88Glu; replaces lysine 88 with glutamic acid.
Molecular consequence: missense variant.
Genome position (GRCh38, 1-based): chr12:57,751,299, T>C on the plus strand (A>G on the coding strand, the complement: CDK4 is on the minus strand). VCF-style: chr12-57751299-T-C. GRCh37 (hg19) VCF-style: chr12-58145082-T-C.
Other names: short protein forms K88E.
Identifiers: ClinVar variation 2430541 (VCV002430541.1), dbSNP rs2140387459, ClinGen allele CA385548126.